The following is an entry in ClinVar:

ClinVar aggregate classification (germline): Uncertain significance (1 of 4 stars; one submission).

Conditions:
X-linked immunodeficiency with magnesium defect, Epstein-Barr virus infection and neoplasia. Identifiers: Orphanet 317476, MedGen C3275445, MONDO:0010455, OMIM 300853.

Submission:

Labcorp Genetics (formerly Invitae), Labcorp
Classification: Uncertain significance for X-linked immunodeficiency with magnesium defect, Epstein-Barr virus infection and neoplasia. Last evaluated: 2022-02-12. Review status: criteria provided, single submitter. Criteria: Invitae Variant Classification Sherloc (09022015). Collection method: clinical testing. Allele origin: germline.
Comment: In summary, the available evidence is currently insufficient to determine the role of this variant in disease. Therefore, it has been classified as a Variant of Uncertain Significance. Algorithms developed to predict the effect of missense changes on protein structure and function are either unavailable or do not agree on the potential impact of this missense change (SIFT: "Tolerated"; PolyPhen-2: "Probably Damaging"; Align-GVGD: "Class C0"). ClinVar contains an entry for this variant (Variation ID: 844433). This variant has not been reported in the literature in individuals affected with MAGT1-related conditions. This variant is not present in population databases (gnomAD no frequency). This sequence change replaces histidine, which is basic and polar, with tyrosine, which is neutral and polar, at codon 278 of the MAGT1 protein (p.His278Tyr).

NM_001367916.1(MAGT1):c.736C>T (p.His246Tyr)

Gene: MAGT1 (magnesium transporter 1; minus strand). Cytogenetic location: Xq21.1.
Variant type: single nucleotide variant.
Coding change: c.736C>T on transcript NM_001367916.1 (MANE Select); coding-DNA position 736, C replaced by T.
Protein change: p.His246Tyr; replaces histidine 246 with tyrosine.
Molecular consequence: missense variant.
Genome position (GRCh38, 1-based): chrX:77,855,527, G>A on the plus strand (C>T on the coding strand, the complement: MAGT1 is on the minus strand). VCF-style: chrX-77855527-G-A. GRCh37 (hg19) VCF-style: chrX-77111024-G-A.
Other names: c.832C>T, p.His278Tyr (NM_032121.5); short protein forms H246Y, H278Y.
Identifiers: ClinVar variation 844433 (VCV000844433.7), dbSNP rs2076979344, ClinGen allele CA413713409.
Genomic context (GRCh38, chrX:77,855,527, plus strand): 5'-TCTACAAAGGAAAGAAATCCCAGACTTCCCTTACCACATGTCCCGTGTGGGGATTCTTAT[G>A]GGCATATGGTGGTCCTCTTATATGGTTCCACATTTGACCAGATGTCATAGCAAGCACAAA-3'
Protein context (NP_001354845.1, residues 236-256): WNHIRGPPYA[His246Tyr]KNPHTGHVNY